The following is an entry in ClinVar:

NM_173543.3(DZIP1L):c.233C>T (p.Pro78Leu)

Gene: DZIP1L (DAZ interacting zinc finger protein 1 like; minus strand). Cytogenetic location: 3q22.3.
Variant type: single nucleotide variant.
Coding change: c.233C>T on transcript NM_173543.3 (MANE Select); coding-DNA position 233, C replaced by T.
Protein change: p.Pro78Leu; replaces proline 78 with leucine.
Molecular consequence: missense variant.
Genome position (GRCh38, 1-based): chr3:138,103,739, G>A on the plus strand (C>T on the coding strand, the complement: DZIP1L is on the minus strand). VCF-style: chr3-138103739-G-A. GRCh37 (hg19) VCF-style: chr3-137822581-G-A.
Other names: c.233C>T, p.Pro78Leu (NM_001170538.1); short protein forms P78L.
Identifiers: ClinVar variation 4724332 (VCV004724332.1).

ClinVar aggregate classification (germline): Uncertain significance (1 of 4 stars; one submission).

Submission:

Labcorp Genetics (formerly Invitae), Labcorp
Classification: Uncertain significance. Last evaluated: 2025-08-04. Review status: criteria provided, single submitter. Criteria: Invitae Variant Classification Sherloc (09022015). Collection method: clinical testing. Allele origin: germline.
Comment: This sequence change replaces proline, which is neutral and non-polar, with leucine, which is neutral and non-polar, at codon 78 of the DZIP1L protein (p.Pro78Leu). This variant is present in population databases (rs762332715, gnomAD 0.003%). This variant has not been reported in the literature in individuals affected with DZIP1L-related conditions. An algorithm developed to predict the effect of missense changes on protein structure and function (PolyPhen-2) suggests that this variant is likely to be disruptive. In summary, the available evidence is currently insufficient to determine the role of this variant in disease. Therefore, it has been classified as a Variant of Uncertain Significance.